The following is an entry in ClinVar:

ClinVar aggregate classification (germline): Conflicting classifications of pathogenicity. Review status: criteria provided, conflicting classifications (1 of 4 stars). 21 submissions from 19 submitters: Uncertain significance (2); Benign (2); Likely benign (11). 6 of the submissions do not count toward it. Last evaluated 2026-01-31.

Conditions:
MYH7-related disorder. Also called: MYH7-related condition; MYH7-related disease; MYH7-related disorders.
Myosin storage myopathy (CMYO7A). Also called: MYOPATHY WITH LYSIS OF TYPE I MYOFIBRILS; MYOPATHY, HYALINE BODY, AUTOSOMAL DOMINANT; SCAPULOPERONEAL MUSCULAR DYSTROPHY; SCAPULOPERONEAL SYNDROME, MYOPATHIC TYPE; MYH7-related late-onset scapuloperoneal muscular dystrophy; Congenital myopathy 7A, myosin storage, autosomal dominant. Identifiers: Orphanet 437572, Orphanet 636965, MedGen C1842160, MONDO:0008409, OMIM 608358.
Cardiovascular phenotype. Identifiers: MedGen CN230736.
Cardiomyopathy (CMYO). Also called: Cardiomyopathies. Identifiers: Orphanet 167848, MedGen C0878544, MONDO:0004994, HP:0001638. Inheritance: Various modes of inheritance.
Hypertrophic cardiomyopathy 1 (CMH1). Also called: Familial hypertrophic cardiomyopathy 1; MYH7-Related Familial Hypertrophic Cardiomyopathy. Identifiers: MedGen C3495498, MONDO:0008647, OMIM 192600.
MYH7-related skeletal myopathy. Also called: Myopathy, distal, 1; Laing distal myopathy; MYOPATHY, DISTAL, EARLY-ONSET, AUTOSOMAL DOMINANT; MYOPATHY, LATE DISTAL HEREDITARY; Laing early-onset distal myopathy. Identifiers: Orphanet 59135, MedGen C4552004, MONDO:0008050, OMIM 160500.
Hypertrophic cardiomyopathy. Also called: HYPERTROPHIC MYOCARDIOPATHY. Identifiers: Orphanet 217569, MedGen C0007194, MeSH D002312, MONDO:0005045, HP:0001639.

Allele frequency attached by ClinVar (database versions not stated): TOPMed 0.00041; ExAC 0.00027; gnomAD exomes 0.00029 and 0.00050; ESP Exome Variant Server 0.00038; gnomAD 0.00041 and 0.00044.
gnomAD v4.1: 782 of 1,614,120 alleles (0.048%); highest among the groups gnomAD compares: Non-Finnish European, 0.063%; no homozygotes.

Submissions (21):

Labcorp Genetics (formerly Invitae), Labcorp
Classification: Likely benign for Hypertrophic cardiomyopathy. Last evaluated: 2026-01-31. Review status: criteria provided, single submitter. Criteria: Invitae Variant Classification Sherloc (09022015). Collection method: clinical testing. Allele origin: germline.

Molecular Diagnostic Laboratory for Inherited Cardiovascular Disease, Montreal Heart Institute
Classification: Likely benign. Last evaluated: 2025-04-09. Review status: criteria provided, single submitter. Criteria: ACMG Guidelines, 2015. Collection method: clinical testing. Allele origin: germline. Affected: no.

CeGaT Center for Human Genetics Tuebingen
Classification: Likely benign. Last evaluated: 2025-04-01. Review status: criteria provided, single submitter. Criteria: CeGaT Center For Human Genetics Tuebingen Variant Classification Criteria Version 2. Collection method: clinical testing. Allele origin: germline. Affected: yes. Observed: 4 variant alleles.
Comment: MYH7: BP4, BP7

Revvity Omics, Revvity
Classification: Likely benign. Last evaluated: 2024-11-25. Review status: criteria provided, single submitter. Criteria: ACMG Guidelines, 2015. Collection method: clinical testing. Allele origin: germline.

Blueprint Genetics
Classification: Likely benign. Last evaluated: 2024-10-30. Review status: criteria provided, single submitter. Criteria: ACMG Guidelines, 2015. Collection method: clinical testing. Allele origin: germline.

All of Us Research Program, National Institutes of Health
Classification: Likely benign for Cardiomyopathy. Last evaluated: 2024-02-05. Review status: criteria provided, single submitter. Criteria: ACMG Guidelines, 2015. Collection method: clinical testing. Allele origin: germline. Inheritance: Autosomal dominant inheritance. Observed: 120 variant alleles, 120 heterozygotes.
Comment: This study involves interpretation of variants in research participants for the purpose of population health screening. Participant phenotype was not available at the time of variant classification. Additional details can be found in publication PMID: 35346344, PMCID: PMC8962531

Women's Health and Genetics/Laboratory Corporation of America, LabCorp
Classification: Likely benign. Last evaluated: 2022-08-06. Review status: criteria provided, single submitter. Criteria: LabCorp Variant Classification Summary - May 2015. Collection method: clinical testing. Allele origin: germline.

CHEO Genetics Diagnostic Laboratory, Children's Hospital of Eastern Ontario
Classification: Likely benign for Cardiomyopathy. Last evaluated: 2019-11-21. Review status: criteria provided, single submitter. Criteria: ACMG Guidelines, 2015. Collection method: clinical testing. Allele origin: germline.

Ambry Genetics
Classification: Likely benign for Cardiovascular phenotype. Last evaluated: 2019-01-31. Review status: criteria provided, single submitter. Criteria: Ambry Variant Classification Scheme 2023. Collection method: clinical testing. Allele origin: germline.

Color Diagnostics, LLC DBA Color Health
Classification: Likely benign for Cardiomyopathy. Last evaluated: 2018-07-09. Review status: criteria provided, single submitter. Criteria: ACMG Guidelines, 2015. Collection method: clinical testing. Allele origin: germline.

Illumina Laboratory Services, Illumina
Classification: Benign for MYH7-related skeletal myopathy. Last evaluated: 2018-01-13. Review status: criteria provided, single submitter. Criteria: ICSL Variant Classification Criteria 13 December 2019. Collection method: clinical testing. Allele origin: germline.
Comment: This variant was observed in the ICSL laboratory as part of a predisposition screen in an ostensibly healthy population. It had not been previously curated by ICSL or reported in the Human Gene Mutation Database (HGMD: prior to June 1st, 2018), and was therefore a candidate for classification through an automated scoring system. Utilizing variant allele frequency, disease prevalence and penetrance estimates, and inheritance mode, an automated score was calculated to assess if this variant is too frequent to cause the disease. Based on the score and internal cut-off values, a variant classified as benign is not then subjected to further curation. The score for this variant resulted in a classification of benign for this disease.

Illumina Laboratory Services, Illumina
Classification: Uncertain significance for Myosin storage myopathy. Last evaluated: 2018-01-13. Review status: criteria provided, single submitter. Criteria: ICSL Variant Classification Criteria 13 December 2019. Collection method: clinical testing. Allele origin: germline.

Illumina Laboratory Services, Illumina
Classification: Uncertain significance for Hypertrophic cardiomyopathy 1. Last evaluated: 2018-01-13. Review status: criteria provided, single submitter. Criteria: ICSL Variant Classification Criteria 13 December 2019. Collection method: clinical testing. Allele origin: germline.

GeneDx
Classification: Benign. Last evaluated: 2015-03-03. Review status: criteria provided, single submitter. Criteria: GeneDx Variant Classification Process June 2021. Collection method: clinical testing. Allele origin: germline. Affected: yes.

Laboratory for Molecular Medicine, Mass General Brigham Personalized Medicine
Classification: Likely benign. Last evaluated: 2011-03-24. Review status: criteria provided, single submitter. Criteria: LMM Criteria. Collection method: clinical testing. Allele origin: germline. Observed: 6 variant alleles.
Comment: Glu1320Glu in exon 29 of MYH7: This variant is not expected to have clinical sig nificance because it does not alter an amino acid residue and is not located nea r a splice junction. Silent variants can disrupt DNA sequence motifs that are im portant for mRNA splicing; however, splicing variants are exceedingly rare in th is gene.

PreventionGenetics, part of Exact Sciences
Classification: Likely benign for MYH7-related condition. Last evaluated: 2019-04-18. Review status: no assertion criteria provided. Collection method: clinical testing. Allele origin: germline. Not counted in ClinVar's aggregate classification.
Comment: This variant is classified as likely benign based on ACMG/AMP sequence variant interpretation guidelines (Richards et al. 2015 PMID: 25741868, with internal and published modifications).

Clinical Genetics, Academic Medical Center
Classification: Benign. Review status: no assertion criteria provided. Collection method: clinical testing. Allele origin: germline. Affected: yes. Study: VKGL Data-share Consensus. Not counted in ClinVar's aggregate classification.

Diagnostic Laboratory, Department of Genetics, University Medical Center Groningen
Classification: Likely benign. Review status: no assertion criteria provided. Collection method: clinical testing. Allele origin: germline. Affected: yes. Study: VKGL Data-share Consensus. Not counted in ClinVar's aggregate classification.

Genome Diagnostics Laboratory, University Medical Center Utrecht
Classification: Likely benign. Review status: no assertion criteria provided. Collection method: clinical testing. Allele origin: germline. Affected: yes. Study: VKGL Data-share Consensus. Not counted in ClinVar's aggregate classification.

Joint Genome Diagnostic Labs from Nijmegen and Maastricht, Radboudumc and MUMC+
Classification: Likely benign. Review status: no assertion criteria provided. Collection method: clinical testing. Allele origin: germline. Affected: yes. Study: VKGL Data-share Consensus. Not counted in ClinVar's aggregate classification.

Laboratory of Diagnostic Genome Analysis, Leiden University Medical Center (LUMC)
Classification: Likely benign. Review status: no assertion criteria provided. Collection method: clinical testing. Allele origin: germline. Affected: yes. Study: VKGL Data-share Consensus. Not counted in ClinVar's aggregate classification.

NM_000257.4(MYH7):c.3960G>A (p.Glu1320=)

Gene: MYH7 (myosin heavy chain 7; minus strand). Cytogenetic location: 14q11.2.
Variant type: single nucleotide variant.
Coding change: c.3960G>A on transcript NM_000257.4 (MANE Select); coding-DNA position 3960, G replaced by A.
Protein change: p.Glu1320=; no amino-acid change (glutamic acid 1320 retained).
Molecular consequence: synonymous variant.
Genome position (GRCh38, 1-based): chr14:23,419,189, C>T on the plus strand (G>A on the coding strand, the complement: MYH7 is on the minus strand). VCF-style: chr14-23419189-C-T. GRCh37 (hg19) VCF-style: chr14-23888398-C-T.
Identifiers: ClinVar variation 42981 (VCV000042981.95), dbSNP rs147797612, ClinGen allele CA014242.